The following is an entry in ClinVar:

ClinVar aggregate classification (germline): Benign/Likely benign. Review status: criteria provided, multiple submitters, no conflicts (2 of 4 stars). 2 submissions from 2 submitters: Benign (1); Likely benign (1). Last evaluated 2026-09-01.

Conditions:
Greig cephalopolysyndactyly syndrome (GCPS). Also called: POLYSYNDACTYLY WITH PECULIAR SKULL SHAPE; GLI3-Related Greig Cephalopolysyndactyly Syndrome; Greig syndrome. Identifiers: Orphanet 380, MedGen C0265306, MONDO:0008287, OMIM 175700.
Pallister-Hall syndrome (PHS). Also called: HYPOTHALAMIC HAMARTOBLASTOMA, HYPOPITUITARISM, IMPERFORATE ANUS, AND POSTAXIAL POLYDACTYLY; GLI3-Related Pallister-Hall Syndrome. Identifiers: Orphanet 672, MedGen C0265220, MONDO:0007804, OMIM 146510.

Allele frequency attached by ClinVar (database versions not stated): gnomAD exomes 0.00007; ExAC 0.00009; ESP Exome Variant Server 0.00023; gnomAD 0.00034 and 0.00037; TOPMed 0.00036.
gnomAD v4.1: 89 of 1,613,778 alleles (0.0055%); highest among the groups gnomAD compares: African/African-American, 0.096%; no homozygotes.

Submissions (2):

CeGaT Center for Human Genetics Tuebingen
Classification: Likely benign. Last evaluated: 2026-09-01. Review status: criteria provided, single submitter. Criteria: CeGaT Center For Human Genetics Tuebingen Variant Classification Criteria Version 2. Collection method: clinical testing. Allele origin: germline. Affected: yes. Observed: 1 variant allele.
Comment: GLI3: BP4, BP7

Labcorp Genetics (formerly Invitae), Labcorp
Classification: Benign for Pallister-Hall syndrome; Greig cephalopolysyndactyly syndrome. Last evaluated: 2025-06-12. Review status: criteria provided, single submitter. Criteria: Invitae Variant Classification Sherloc (09022015). Collection method: clinical testing. Allele origin: germline.

NM_000168.6(GLI3):c.3889C>T (p.Leu1297=)

Gene: GLI3 (GLI family zinc finger 3; minus strand). Cytogenetic location: 7p14.1.
Variant type: single nucleotide variant.
Coding change: c.3889C>T on transcript NM_000168.6 (MANE Select); coding-DNA position 3889, C replaced by T.
Protein change: p.Leu1297=; no amino-acid change (leucine 1297 retained).
Molecular consequence: synonymous variant.
Genome position (GRCh38, 1-based): chr7:41,965,184, G>A on the plus strand (C>T on the coding strand, the complement: GLI3 is on the minus strand). VCF-style: chr7-41965184-G-A. GRCh37 (hg19) VCF-style: chr7-42004782-G-A.
Identifiers: ClinVar variation 710566 (VCV000710566.10), dbSNP rs145618226, ClinGen allele CA4230235.